The following is an entry in ClinVar:

NM_006545.5(NPRL2):c.1104G>A (p.Arg368=)

Gene: NPRL2 (NPR2 like, GATOR1 complex subunit; minus strand). Cytogenetic location: 3p21.31.
Variant type: single nucleotide variant.
Coding change: c.1104G>A on transcript NM_006545.5 (MANE Select); coding-DNA position 1104, G replaced by A.
Protein change: p.Arg368=; no amino-acid change (arginine 368 retained).
Molecular consequence: synonymous variant.
Genome position (GRCh38, 1-based): chr3:50,347,645, C>T on the plus strand (G>A on the coding strand, the complement: NPRL2 is on the minus strand). VCF-style: chr3-50347645-C-T. GRCh37 (hg19) VCF-style: chr3-50385076-C-T.
Identifiers: ClinVar variation 4873955 (VCV004873955.3).

ClinVar aggregate classification (germline): Likely benign. Review status: criteria provided, multiple submitters, no conflicts (2 of 4 stars). 2 submissions from 2 submitters: Likely benign (2). Last evaluated 2026-05-01.

gnomAD v4.1: 103 of 1,613,988 alleles (0.0064%); highest among the groups gnomAD compares: Non-Finnish European, 0.0086%; no homozygotes.

Submissions (2):

CeGaT Center for Human Genetics Tuebingen
Classification: Likely benign. Last evaluated: 2026-05-01. Review status: criteria provided, single submitter. Criteria: CeGaT Center For Human Genetics Tuebingen Variant Classification Criteria Version 2. Collection method: clinical testing. Allele origin: germline. Affected: yes. Observed: 1 variant allele.
Comment: NPRL2: BP4, BP7

Blueprint Genetics
Classification: Likely benign. Last evaluated: 2024-04-25. Review status: criteria provided, single submitter. Criteria: ACMG Guidelines, 2015. Collection method: clinical testing. Allele origin: germline.